The following is an entry in ClinVar:

ClinVar aggregate classification (germline): Uncertain significance (1 of 4 stars; one submission).

Submission:

Labcorp Genetics (formerly Invitae), Labcorp
Classification: Uncertain significance. Last evaluated: 2025-10-19. Review status: criteria provided, single submitter. Criteria: Invitae Variant Classification Sherloc (09022015). Collection method: clinical testing. Allele origin: germline.
Comment: This sequence change replaces threonine, which is neutral and polar, with isoleucine, which is neutral and non-polar, at codon 297 of the EFNB1 protein (p.Thr297Ile). This variant is not present in population databases (gnomAD no frequency). This variant has not been reported in the literature in individuals affected with EFNB1-related conditions. Invitae Evidence Modeling of protein sequence and biophysical properties (such as structural, functional, and spatial information, amino acid conservation, physicochemical variation, residue mobility, and thermodynamic stability) indicates that this missense variant is not expected to disrupt EFNB1 protein function with a negative predictive value of 80%. In summary, the available evidence is currently insufficient to determine the role of this variant in disease. Therefore, it has been classified as a Variant of Uncertain Significance.

NM_004429.5(EFNB1):c.890C>T (p.Thr297Ile)

Gene: EFNB1 (ephrin B1; plus strand). Cytogenetic location: Xq13.1.
Variant type: single nucleotide variant.
Coding change: c.890C>T on transcript NM_004429.5 (MANE Select); coding-DNA position 890, C replaced by T.
Protein change: p.Thr297Ile; replaces threonine 297 with isoleucine.
Molecular consequence: missense variant.
Genome position (GRCh38, 1-based): chrX:68,840,503, C>T. VCF-style: chrX-68840503-C-T. GRCh37 (hg19) VCF-style: chrX-68060346-C-T.
Other names: short protein forms T297I.
Identifiers: ClinVar variation 4742437 (VCV004742437.1).